The following is an entry in ClinVar:

ClinVar aggregate classification (germline): Uncertain significance (1 of 4 stars; one submission).

Submission:

GeneDx
Classification: Uncertain significance. Last evaluated: 2026-06-10. Review status: criteria provided, single submitter. Criteria: GeneDx Variant Classification Process June 2021. Collection method: clinical testing. Allele origin: germline.
Comment: Not observed at significant frequency in large population cohorts (gnomAD); In silico analysis supports that this missense variant has a deleterious effect on protein structure/function; In silico analysis is inconclusive as to whether the variant alters gene splicing. In the absence of RNA/functional studies, the actual effect of this sequence change is unknown.; Has not been previously published as pathogenic or benign to our knowledge

NM_017934.7(PHIP):c.875A>G (p.Asp292Gly)

Gene: PHIP (PHIP subunit of CUL4-Ring ligase complex; minus strand). Cytogenetic location: 6q14.1.
Variant type: single nucleotide variant.
Coding change: c.875A>G on transcript NM_017934.7 (MANE Select); coding-DNA position 875, A replaced by G.
Protein change: p.Asp292Gly; replaces aspartic acid 292 with glycine.
Molecular consequence: missense variant.
Genome position (GRCh38, 1-based): chr6:79,025,567, T>C on the plus strand (A>G on the coding strand, the complement: PHIP is on the minus strand). VCF-style: chr6-79025567-T-C. GRCh37 (hg19) VCF-style: chr6-79735284-T-C.
Other names: short protein forms D292G.
Identifiers: ClinVar variation 3774263 (VCV003774263.2).